The following is an entry in ClinVar:

NM_001267550.2(TTN):c.52706-1G>T

Genes: TTN (titin; minus strand), TTN-AS1 (TTN antisense RNA 1; plus strand), LOC126806425 (BRD4-independent group 4 enhancer GRCh37_chr2:179471933-179473132; plus strand). Cytogenetic location: 2q31.2.
Variant type: single nucleotide variant.
Coding change: c.52706-1G>T on transcript NM_001267550.2 (MANE Select); the canonical splice acceptor site of the intron before coding-DNA position 52706, G replaced by T.
Molecular consequence: splice acceptor variant.
Genome position (GRCh38, 1-based): chr2:178,608,082, C>A on the plus strand (G>T on the coding strand, the complement: TTN is on the minus strand). VCF-style: chr2-178608082-C-A. GRCh37 (hg19) VCF-style: chr2-179472809-C-A.
Other names: c.25511-1G>T (NM_003319.4); c.26087-1G>T (NM_133437.4); c.25886-1G>T (NM_133432.3); c.45002-1G>T (NM_133378.4); c.47783-1G>T (NM_001256850.1).
Identifiers: ClinVar variation 2949213 (VCV002949213.3), dbSNP rs2055351447, ClinGen allele CA349571584.

ClinVar aggregate classification (germline): Likely pathogenic (1 of 4 stars; one submission).

Conditions:
Dilated cardiomyopathy 1G (CMD1G). Identifiers: Orphanet 154, MedGen C1858763, MONDO:0011400, OMIM 604145.
Autosomal recessive limb-girdle muscular dystrophy type 2J (LGMDR10). Also called: Limb-girdle muscular dystrophy, type 2J; MUSCULAR DYSTROPHY, LIMB-GIRDLE, AUTOSOMAL RECESSIVE 10. Identifiers: Orphanet 140922, MedGen C1837342, MONDO:0012127, OMIM 608807.

Submission:

Labcorp Genetics (formerly Invitae), Labcorp
Classification: Likely pathogenic for Dilated cardiomyopathy 1G; Autosomal recessive limb-girdle muscular dystrophy type 2J. Last evaluated: 2023-06-23. Review status: criteria provided, single submitter. Criteria: Invitae Variant Classification Sherloc (09022015). Collection method: clinical testing. Allele origin: germline.
Comment: This sequence change affects an acceptor splice site in intron 275 of the TTN gene. It is expected to disrupt RNA splicing and likely results in a truncated or disrupted TTN protein. This variant is not present in population databases (gnomAD no frequency). Disruption of this splice site has been observed in individual(s) with dilated cardiomyopathy (Invitae). Algorithms developed to predict the effect of sequence changes on RNA splicing suggest that this variant may disrupt the consensus splice site. In summary, the currently available evidence indicates that the variant is pathogenic, but additional data are needed to prove that conclusively. Therefore, this variant has been classified as Likely Pathogenic.